The following is an entry in ClinVar:

NM_001277115.2(DNAH11):c.5131C>T (p.Gln1711Ter)

Gene: DNAH11 (dynein axonemal heavy chain 11; plus strand). Cytogenetic location: 7p15.3.
Variant type: single nucleotide variant.
Coding change: c.5131C>T on transcript NM_001277115.2 (MANE Select); coding-DNA position 5131, C replaced by T.
Protein change: p.Gln1711Ter; replaces glutamine 1711 with a stop codon.
Molecular consequence: nonsense.
Genome position (GRCh38, 1-based): chr7:21,658,834, C>T. VCF-style: chr7-21658834-C-T. GRCh37 (hg19) VCF-style: chr7-21698452-C-T.
Other names: c.5146C>T, p.Gln1716Ter (NM_003777.3); short protein forms Q1711*, Q1716*.
Identifiers: ClinVar variation 2706930 (VCV002706930.3), dbSNP rs2534838847, ClinGen allele CA366939629.

ClinVar aggregate classification (germline): Pathogenic (1 of 4 stars; one submission).

Conditions:
Primary ciliary dyskinesia. Also called: Ciliary dyskinesia. Identifiers: Orphanet 244, MedGen C0008780, MONDO:0016575, HP:0012265.

Allele frequency attached by ClinVar (database versions not stated): gnomAD exomes below 0.00001.
gnomAD v4.1: 1 of 1,599,282 alleles (0.000063%); highest among the groups gnomAD compares: Non-Finnish European, 0.000085%; no homozygotes.

Submission:

Labcorp Genetics (formerly Invitae), Labcorp
Classification: Pathogenic for Primary ciliary dyskinesia. Last evaluated: 2024-01-25. Review status: criteria provided, single submitter. Criteria: Invitae Variant Classification Sherloc (09022015). Collection method: clinical testing. Allele origin: germline.
Comment: This sequence change creates a premature translational stop signal (p.Gln1711*) in the DNAH11 gene. It is expected to result in an absent or disrupted protein product. Loss-of-function variants in DNAH11 are known to be pathogenic (PMID: 18022865, 20513915, 22184204). This variant is not present in population databases (gnomAD no frequency). This variant has not been reported in the literature in individuals affected with DNAH11-related conditions. Algorithms developed to predict the effect of sequence changes on RNA splicing suggest that this variant may disrupt the consensus splice site. For these reasons, this variant has been classified as Pathogenic.

Literature cited by the submitters: PubMed 18022865; PubMed 20513915; PubMed 22184204.